The following is an entry in ClinVar:

ClinVar aggregate classification (germline): Uncertain significance. Review status: criteria provided, multiple submitters, no conflicts (2 of 4 stars). 2 submissions from 2 submitters: Uncertain significance (2). Last evaluated 2025-02-10.

Allele frequency attached by ClinVar (database versions not stated): gnomAD exomes 0.00001 and 0.00002; gnomAD 0.00002; TOPMed 0.00004.
gnomAD v4.1: 39 of 1,613,828 alleles (0.0024%); highest among the groups gnomAD compares: Non-Finnish European, 0.0032%; no homozygotes.

Submissions (2):

Ambry Genetics
Classification: Uncertain significance. Last evaluated: 2025-02-10. Review status: criteria provided, single submitter. Criteria: Ambry Variant Classification Scheme 2023. Collection method: clinical testing. Allele origin: germline.

Labcorp Genetics (formerly Invitae), Labcorp
Classification: Uncertain significance. Last evaluated: 2024-10-15. Review status: criteria provided, single submitter. Criteria: Invitae Variant Classification Sherloc (09022015). Collection method: clinical testing. Allele origin: germline.
Comment: This sequence change replaces threonine, which is neutral and polar, with isoleucine, which is neutral and non-polar, at codon 258 of the KIZ protein (p.Thr258Ile). This variant is present in population databases (no rsID available, gnomAD 0.002%). This variant has not been reported in the literature in individuals affected with KIZ-related conditions. ClinVar contains an entry for this variant (Variation ID: 947270). Experimental studies and prediction algorithms are not available or were not evaluated, and the functional significance of this variant is currently unknown. In summary, the available evidence is currently insufficient to determine the role of this variant in disease. Therefore, it has been classified as a Variant of Uncertain Significance.

NM_018474.6(KIZ):c.773C>T (p.Thr258Ile)

Gene: KIZ (kizuna centrosomal protein; plus strand). Cytogenetic location: 20p11.23.
Variant type: single nucleotide variant.
Coding change: c.773C>T on transcript NM_018474.6 (MANE Select); coding-DNA position 773, C replaced by T.
Protein change: p.Thr258Ile; replaces threonine 258 with isoleucine.
Molecular consequence: missense variant.
Genome position (GRCh38, 1-based): chr20:21,162,238, C>T. VCF-style: chr20-21162238-C-T. GRCh37 (hg19) VCF-style: chr20-21142879-C-T.
Other names: c.464C>T, p.Thr155Ile (NM_001163022.3, NM_001352435.2); c.374C>T, p.Thr125Ile (NM_001163023.3); c.626C>T, p.Thr209Ile (NM_001276389.2); c.773C>T, p.Thr258Ile (NM_001352434.2); c.431C>T, p.Thr144Ile (NM_001352436.2); short protein forms T258I, T144I, T155I, T125I, T209I.
Identifiers: ClinVar variation 947270 (VCV000947270.9), dbSNP rs946578830, ClinGen allele CA312979714.